The following is an entry in ClinVar:

ClinVar aggregate classification (germline): Uncertain significance (1 of 4 stars; one submission).

Submission:

Labcorp Genetics (formerly Invitae), Labcorp
Classification: Uncertain significance. Last evaluated: 2025-01-20. Review status: criteria provided, single submitter. Criteria: Invitae Variant Classification Sherloc (09022015). Collection method: clinical testing. Allele origin: germline.
Comment: This sequence change replaces histidine, which is basic and polar, with tyrosine, which is neutral and polar, at codon 451 of the EIF2AK1 protein (p.His451Tyr). This variant is not present in population databases (gnomAD no frequency). This variant has not been reported in the literature in individuals affected with EIF2AK1-related conditions. An algorithm developed to predict the effect of missense changes on protein structure and function (PolyPhen-2) suggests that this variant is likely to be tolerated. Algorithms developed to predict the effect of sequence changes on RNA splicing suggest that this variant may disrupt the consensus splice site. In summary, the available evidence is currently insufficient to determine the role of this variant in disease. Therefore, it has been classified as a Variant of Uncertain Significance.

NM_014413.4(EIF2AK1):c.1351C>T (p.His451Tyr)

Gene: EIF2AK1 (eukaryotic translation initiation factor 2 alpha kinase 1; minus strand). Cytogenetic location: 7p22.1.
Variant type: single nucleotide variant.
Coding change: c.1351C>T on transcript NM_014413.4 (MANE Select); coding-DNA position 1351, C replaced by T.
Protein change: p.His451Tyr; replaces histidine 451 with tyrosine.
Molecular consequence: missense variant.
Genome position (GRCh38, 1-based): chr7:6,029,014, G>A on the plus strand (C>T on the coding strand, the complement: EIF2AK1 is on the minus strand). VCF-style: chr7-6029014-G-A. GRCh37 (hg19) VCF-style: chr7-6068645-G-A.
Other names: c.1348C>T, p.His450Tyr (NM_001134335.2); short protein forms H451Y, H450Y.
Identifiers: ClinVar variation 3680282 (VCV003680282.2).